The following is an entry in ClinVar:

ClinVar aggregate classification (germline): Uncertain significance (1 of 4 stars; one submission).

Allele frequency attached by ClinVar (database versions not stated): gnomAD exomes below 0.00001 and 0.00001; gnomAD 0.00004; ESP Exome Variant Server 0.00008.

Submission:

Labcorp Genetics (formerly Invitae), Labcorp
Classification: Uncertain significance. Last evaluated: 2022-06-27. Review status: criteria provided, single submitter. Criteria: Invitae Variant Classification Sherloc (09022015). Collection method: clinical testing. Allele origin: germline.
Comment: This variant, c.4766_4768dup, results in the insertion of 1 amino acid(s) of the MYO3A protein (p.Glu1589_Arg1590insLys), but otherwise preserves the integrity of the reading frame. This variant is present in population databases (no rsID available, gnomAD 0.01%). This variant has not been reported in the literature in individuals affected with MYO3A-related conditions. Experimental studies and prediction algorithms are not available or were not evaluated, and the functional significance of this variant is currently unknown. In summary, the available evidence is currently insufficient to determine the role of this variant in disease. Therefore, it has been classified as a Variant of Uncertain Significance.

NM_017433.5(MYO3A):c.4766_4768dup (p.Glu1589_Arg1590insLys)

Gene: MYO3A (myosin IIIA; plus strand). Cytogenetic location: 10p12.1.
Variant type: Duplication.
Coding change: c.4766_4768dup on transcript NM_017433.5 (MANE Select); coding-DNA positions 4766 to 4768, 3 bases duplicated (AGA; older notation c.4766_4768dupAGA).
Protein change: p.Glu1589_Arg1590insLys.
Molecular consequence: inframe insertion.
Genome position (GRCh38, 1-based): chr10:26,211,878-26,211,880, AGA duplicated. VCF-style (leftmost placement, unchanged base first): chr10-26211877-G-GAGA. GRCh37 (hg19) VCF-style: chr10-26500806-G-GAGA.
Identifiers: ClinVar variation 1369909 (VCV001369909.6), dbSNP rs1491231131, ClinGen allele CA376342285.